The following is an entry in ClinVar:

ClinVar aggregate classification (germline): Uncertain significance. Review status: criteria provided, multiple submitters, no conflicts (2 of 4 stars). 2 submissions from 2 submitters: Uncertain significance (2). Last evaluated 2025-07-31.

Conditions:
Hereditary cancer-predisposing syndrome. Also called: Hereditary neoplastic syndrome; Hereditary Cancer Syndrome; Neoplastic Syndromes, Hereditary; Tumor predisposition. Identifiers: Orphanet 140162, MedGen C0027672, MeSH D009386, MONDO:0015356.
Familial cancer of breast. Also called: Hereditary breast cancer; BREAST CANCER, FAMILIAL; hereditary breast carcinoma. Identifiers: Orphanet 227535, MedGen C0346153, MONDO:0016419, OMIM 114480. Disease mechanism: loss of function.

Allele frequency attached by ClinVar (database versions not stated): TOPMed 0.00001.

Submissions (2):

Labcorp Genetics (formerly Invitae), Labcorp
Classification: Uncertain significance for Familial cancer of breast. Last evaluated: 2025-07-31. Review status: criteria provided, single submitter. Criteria: Invitae Variant Classification Sherloc (09022015). Collection method: clinical testing. Allele origin: germline.
Comment: This sequence change replaces aspartic acid, which is acidic and polar, with asparagine, which is neutral and polar, at codon 293 of the CHEK2 protein (p.Asp293Asn). This variant is not present in population databases (gnomAD no frequency). This variant has not been reported in the literature in individuals affected with CHEK2-related conditions. ClinVar contains an entry for this variant (Variation ID: 229703). An algorithm developed to predict the effect of missense changes on protein structure and function (PolyPhen-2) suggests that this variant is likely to be tolerated. In summary, the available evidence is currently insufficient to determine the role of this variant in disease. Therefore, it has been classified as a Variant of Uncertain Significance.

Ambry Genetics
Classification: Uncertain significance for Hereditary cancer-predisposing syndrome. Last evaluated: 2025-06-06. Review status: criteria provided, single submitter. Criteria: Ambry Variant Classification Scheme 2023. Collection method: clinical testing. Allele origin: germline.
Comment: The p.D293N variant (also known as c.877G>A), located in coding exon 7 of the CHEK2 gene, results from a G to A substitution at nucleotide position 877. The aspartic acid at codon 293 is replaced by asparagine, an amino acid with highly similar properties. This amino acid position is not well conserved in available vertebrate species. In addition, this alteration is predicted to be tolerated by in silico analysis. Since supporting evidence is limited at this time, the clinical significance of this alteration remains unclear.

NM_007194.4(CHEK2):c.877G>A (p.Asp293Asn)

Gene: CHEK2 (checkpoint kinase 2; minus strand). Cytogenetic location: 22q12.1.
Variant type: single nucleotide variant.
Coding change: c.877G>A on transcript NM_007194.4 (MANE Select); coding-DNA position 877, G replaced by A.
Protein change: p.Asp293Asn; replaces aspartic acid 293 with asparagine.
Molecular consequence: missense variant.
Genome position (GRCh38, 1-based): chr22:28,703,536, C>T on the plus strand (G>A on the coding strand, the complement: CHEK2 is on the minus strand). VCF-style: chr22-28703536-C-T. GRCh37 (hg19) VCF-style: chr22-29099524-C-T.
Other names: c.1006G>A, p.Asp336Asn (NM_001005735.3); c.214G>A, p.Asp72Asn (NM_001257387.3); c.676G>A, p.Asp226Asn (NM_001349956.3); c.877G>A, p.Asp293Asn (NM_145862.3); short protein forms D293N, D336N, D226N, D72N.
Identifiers: ClinVar variation 229703 (VCV000229703.15), dbSNP rs876658152, ClinGen allele CA10581068.